The following is an entry in ClinVar:

ClinVar aggregate classification (germline): Uncertain significance (1 of 4 stars; one submission).

Submission:

GeneDx
Classification: Uncertain significance. Last evaluated: 2025-05-03. Review status: criteria provided, single submitter. Criteria: GeneDx Variant Classification Process June 2021. Collection method: clinical testing. Allele origin: germline. Affected: yes.
Comment: Not observed at significant frequency in large population cohorts (gnomAD); In silico analysis suggests that this missense variant does not alter protein structure/function; Has not been previously published as pathogenic or benign to our knowledge

NM_152424.4(AMER1):c.3203G>T (p.Ser1068Ile)

Gene: AMER1 (APC membrane recruitment protein 1; minus strand). Cytogenetic location: Xq11.2.
Variant type: single nucleotide variant.
Coding change: c.3203G>T on transcript NM_152424.4 (MANE Select); coding-DNA position 3203, G replaced by T.
Protein change: p.Ser1068Ile; replaces serine 1068 with isoleucine.
Molecular consequence: missense variant.
Genome position (GRCh38, 1-based): chrX:64,190,084, C>A on the plus strand (G>T on the coding strand, the complement: AMER1 is on the minus strand). VCF-style: chrX-64190084-C-A. GRCh37 (hg19) VCF-style: chrX-63409964-C-A.
Other names: short protein forms S1068I.
Identifiers: ClinVar variation 4527689 (VCV004527689.1).